The following is an entry in ClinVar:

ClinVar aggregate classification (germline): Uncertain significance (1 of 4 stars; one submission).

Conditions:
Dyskeratosis congenita, autosomal dominant 1 (DKCA1). Also called: Dyskeratosis congenita Scoggins type. Identifiers: Orphanet 1775, MedGen C4551974, MONDO:0007485, OMIM 127550. Inheritance: Variable.

Submission:

Labcorp Genetics (formerly Invitae), Labcorp
Classification: Uncertain significance for Dyskeratosis congenita, autosomal dominant 1. Last evaluated: 2025-04-17. Review status: criteria provided, single submitter. Criteria: Invitae Variant Classification Sherloc (09022015). Collection method: clinical testing. Allele origin: germline.
Comment: This variant occurs in the TERC gene, which encodes an RNA molecule that does not result in a protein product. Information on the frequency of this variant in the gnomAD database is not available, as this variant may be reported differently in the database. This variant has not been reported in the literature in individuals affected with TERC-related conditions. This variant is located within the BoxH/ACA scaRNA domain of the TERC RNA component, which is required for telomerase activity (PMID: 21844345). In summary, the available evidence is currently insufficient to determine the role of this variant in disease. Therefore, it has been classified as a Variant of Uncertain Significance.

Literature cited by the submitters: PubMed 21844345.

NR_001566.3(TERC):n.366_367delinsTT

Genes: TERC (telomerase RNA component; minus strand), LOC110806306 (telomerase RNA component (TERC) promoter; plus strand). Cytogenetic location: 3q26.2.
Variant type: Indel.
Molecular consequence: non-coding transcript variant (on NR_001566.3).
Genome position: GRCh38 VCF-style: chr3-169764694-GC-AA. GRCh37 (hg19) VCF-style: chr3-169482482-GC-AA.
Identifiers: ClinVar variation 4717742 (VCV004717742.1).